The following is an entry in ClinVar:

NM_012330.4(KAT6B):c.1993+1G>A

Gene: KAT6B (lysine acetyltransferase 6B; plus strand). Cytogenetic location: 10q22.2.
Variant type: single nucleotide variant.
Coding change: c.1993+1G>A on transcript NM_012330.4 (MANE Select); the canonical splice donor site of the intron after coding-DNA position 1993, G replaced by A.
Molecular consequence: splice donor variant. On other transcripts: intron variant (13).
Genome position (GRCh38, 1-based): chr10:74,976,331, G>A. VCF-style: chr10-74976331-G-A. GRCh37 (hg19) VCF-style: chr10-76736089-G-A.
Other names: c.1117+877G>A (NM_001370139.1, NM_001370140.1, NM_001370141.1 and 3 more transcripts); c.1993+1G>A (NM_001370136.1, NM_001370137.1); c.1444+550G>A (NM_001370138.1, NM_001256468.2); c.846+6556G>A (NM_001370133.1); c.193-2893G>A (NM_001370134.1); c.929-985G>A (NM_001370143.1, NM_001370144.1); c.193-12688G>A (NM_001370135.1).
Identifiers: ClinVar variation 1698807 (VCV001698807.2), dbSNP rs2133733164, ClinGen allele CA377289791.

ClinVar aggregate classification (germline): Pathogenic (1 of 4 stars; one submission).

Conditions:
Blepharophimosis - intellectual disability syndrome, SBBYS type (SBBYSS). Also called: Say-Barber-Biesecker variant of Ohdo syndrome (SBBYSS); Say-Barber-Biesecker-Young-Simpson syndrome; Say-Barber-Biesecker-Young-Simpson variant of Ohdo Syndrome; Say-Barber-Biesecker Variant of Ohdo Syndrome; Ohdo syndrome, SBBYS variant; SBBYSS syndrome. Identifiers: Orphanet 3047, MedGen C1863557, MONDO:0011365, OMIM 603736.

Submission:

Genetics and Molecular Pathology, SA Pathology
Classification: Pathogenic for Blepharophimosis - intellectual disability syndrome, SBBYS type. Last evaluated: 2021-07-26. Review status: criteria provided, single submitter. Criteria: ACMG Guidelines, 2015. Collection method: clinical testing. Allele origin: germline. Inheritance: Autosomal dominant inheritance. Affected: yes.
Comment: The KAT6B c.1444+550G>A variant is classified as Pathogenic (PVS1, PS2, PM2) The KAT6B c.1444+550G>A variant is located in a splice donor region. This variant is absent from population databases (PM2).